The following is an entry in ClinVar:

ClinVar aggregate classification (germline): Benign/Likely benign. Review status: criteria provided, multiple submitters, no conflicts (2 of 4 stars). 6 submissions from 6 submitters: Benign (1); Likely benign (2). 3 of the submissions do not count toward it. Last evaluated 2026-01-19.

Conditions:
PRPF6-related disorder. Also called: PRPF6-related condition.
Retinitis pigmentosa (RP). Identifiers: Orphanet 791, MedGen C0035334, MeSH D012174, MONDO:0019200, OMIM 268000. Inheritance: Autosomal dominant, autosomal recessive and X linked inheritance.

Allele frequency attached by ClinVar (database versions not stated): gnomAD exomes 0.00014 and 0.00044; ExAC 0.00051; gnomAD 0.00160 and 0.00173; 1000 Genomes Project 0.00180; ESP Exome Variant Server 0.00185; TOPMed 0.00201; 1000 Genomes Project 30x 0.00203.
gnomAD v4.1: 451 of 1,613,778 alleles (0.028%); highest among the groups gnomAD compares: African/African-American, 0.55%; no homozygotes.

Submissions (6):

Labcorp Genetics (formerly Invitae), Labcorp
Classification: Benign. Last evaluated: 2026-01-19. Review status: criteria provided, single submitter. Criteria: Invitae Variant Classification Sherloc (09022015). Collection method: clinical testing. Allele origin: germline.

Blueprint Genetics
Classification: Likely benign. Last evaluated: 2024-10-09. Review status: criteria provided, single submitter. Criteria: ACMG Guidelines, 2015. Collection method: clinical testing. Allele origin: germline.

Illumina Laboratory Services, Illumina
Classification: Likely benign for Retinitis pigmentosa. Last evaluated: 2018-01-12. Review status: criteria provided, single submitter. Criteria: ICSL Variant Classification Criteria 13 December 2019. Collection method: clinical testing. Allele origin: germline.
Comment: This variant was observed in the ICSL laboratory as part of a predisposition screen in an ostensibly healthy population. It had not been previously curated by ICSL or reported in the Human Gene Mutation Database (HGMD: prior to June 1st, 2018), and was therefore a candidate for classification through an automated scoring system. Utilizing variant allele frequency, disease prevalence and penetrance estimates, and inheritance mode, an automated score was calculated to assess if this variant is too frequent to cause the disease. Based on the score and internal cut-off values, a variant classified as likely benign is not then subjected to further curation. The score for this variant resulted in a classification of likely benign for this disease.

PreventionGenetics, part of Exact Sciences
Classification: Benign for PRPF6-related condition. Last evaluated: 2019-11-20. Review status: no assertion criteria provided. Collection method: clinical testing. Allele origin: germline. Not counted in ClinVar's aggregate classification.
Comment: This variant is classified as benign based on ACMG/AMP sequence variant interpretation guidelines (Richards et al. 2015 PMID: 25741868, with internal and published modifications).

Clinical Genetics DNA and cytogenetics Diagnostics Lab, Erasmus MC, Erasmus Medical Center
Classification: Likely benign. Review status: no assertion criteria provided. Collection method: clinical testing. Allele origin: germline. Affected: yes. Study: VKGL Data-share Consensus. Not counted in ClinVar's aggregate classification.

Clinical Genetics, Academic Medical Center
Classification: Likely benign. Review status: no assertion criteria provided. Collection method: clinical testing. Allele origin: germline. Affected: yes. Study: VKGL Data-share Consensus. Not counted in ClinVar's aggregate classification.

NM_012469.4(PRPF6):c.2328C>T (p.Asn776=)

Gene: PRPF6 (pre-mRNA processing factor 6; plus strand). Cytogenetic location: 20q13.33.
Variant type: single nucleotide variant.
Coding change: c.2328C>T on transcript NM_012469.4 (MANE Select); coding-DNA position 2328, C replaced by T.
Protein change: p.Asn776=; no amino-acid change (asparagine 776 retained).
Molecular consequence: synonymous variant.
Genome position (GRCh38, 1-based): chr20:64,027,725, C>T. VCF-style: chr20-64027725-C-T. GRCh37 (hg19) VCF-style: chr20-62659078-C-T.
Identifiers: ClinVar variation 339481 (VCV000339481.21), dbSNP rs61736634, ClinGen allele CA9972418.